The following is an entry in ClinVar:

NM_181507.2(HPS5):c.1174A>G (p.Thr392Ala)

Gene: HPS5 (HPS5 biogenesis of lysosomal organelles complex 2 subunit 2; minus strand). Cytogenetic location: 11p15.1.
Variant type: single nucleotide variant.
Coding change: c.1174A>G on transcript NM_181507.2 (MANE Select); coding-DNA position 1174, A replaced by G.
Protein change: p.Thr392Ala; replaces threonine 392 with alanine.
Molecular consequence: missense variant.
Genome position (GRCh38, 1-based): chr11:18,297,708, T>C on the plus strand (A>G on the coding strand, the complement: HPS5 is on the minus strand). VCF-style: chr11-18297708-T-C. GRCh37 (hg19) VCF-style: chr11-18319255-T-C.
Other names: c.832A>G, p.Thr278Ala (NM_007216.4, NM_181508.2); short protein forms T278A, T392A.
Identifiers: ClinVar variation 3618433 (VCV003618433.1).

ClinVar aggregate classification (germline): Uncertain significance (1 of 4 stars; one submission).

gnomAD v4.1: 6 of 1,613,850 alleles (0.00037%); highest among the groups gnomAD compares: Non-Finnish European, 0.00051%; no homozygotes.

Submission:

Labcorp Genetics (formerly Invitae), Labcorp
Classification: Uncertain significance. Last evaluated: 2024-02-24. Review status: criteria provided, single submitter. Criteria: Invitae Variant Classification Sherloc (09022015). Collection method: clinical testing. Allele origin: germline.
Comment: This sequence change replaces threonine, which is neutral and polar, with alanine, which is neutral and non-polar, at codon 392 of the HPS5 protein (p.Thr392Ala). This variant is present in population databases (rs753465573, gnomAD 0.0009%). This variant has not been reported in the literature in individuals affected with HPS5-related conditions. An algorithm developed to predict the effect of missense changes on protein structure and function (PolyPhen-2) suggests that this variant¬†is likely to be tolerated. In summary, the available evidence is currently insufficient to determine the role of this variant in disease. Therefore, it has been classified as a Variant of Uncertain Significance.